The following is an entry in ClinVar:

ClinVar aggregate classification (germline): Uncertain significance. Review status: criteria provided, multiple submitters, no conflicts (2 of 4 stars). 2 submissions from 2 submitters: Uncertain significance (2). Last evaluated 2025-08-31.

Conditions:
Inborn genetic diseases. Identifiers: MedGen C0950123, MeSH D030342.
Autosomal recessive severe congenital neutropenia due to G6PC3 deficiency. Also called: NEUTROPENIA, SEVERE CONGENITAL, 4, AUTOSOMAL RECESSIVE; G6PC3 Deficiency. Identifiers: Orphanet 331176, MedGen C2751630, MONDO:0012930, OMIM 612541.

Allele frequency attached by ClinVar (database versions not stated): TOPMed below 0.00001; ExAC 0.00002; ESP Exome Variant Server 0.00008; gnomAD 0.00001; gnomAD exomes 0.00001.

Submissions (2):

Ambry Genetics
Classification: Uncertain significance for Inborn genetic diseases. Last evaluated: 2025-08-31. Review status: criteria provided, single submitter. Criteria: Ambry Variant Classification Scheme 2023. Collection method: clinical testing. Allele origin: germline.

Labcorp Genetics (formerly Invitae), Labcorp
Classification: Uncertain significance for Autosomal recessive severe congenital neutropenia due to G6PC3 deficiency. Last evaluated: 2023-09-30. Review status: criteria provided, single submitter. Criteria: Invitae Variant Classification Sherloc (09022015). Collection method: clinical testing. Allele origin: germline.
Comment: This sequence change replaces arginine, which is basic and polar, with cysteine, which is neutral and slightly polar, at codon 274 of the G6PC3 protein (p.Arg274Cys). This variant is present in population databases (rs145779116, gnomAD 0.006%). This variant has not been reported in the literature in individuals affected with G6PC3-related conditions. ClinVar contains an entry for this variant (Variation ID: 2188000). Advanced modeling of protein sequence and biophysical properties (such as structural, functional, and spatial information, amino acid conservation, physicochemical variation, residue mobility, and thermodynamic stability) performed at Invitae indicates that this missense variant is not expected to disrupt G6PC3 protein function. In summary, the available evidence is currently insufficient to determine the role of this variant in disease. Therefore, it has been classified as a Variant of Uncertain Significance.

NM_138387.4(G6PC3):c.820C>T (p.Arg274Cys)

Gene: G6PC3 (glucose-6-phosphatase catalytic subunit 3; plus strand). Cytogenetic location: 17q21.31.
Variant type: single nucleotide variant.
Coding change: c.820C>T on transcript NM_138387.4 (MANE Select); coding-DNA position 820, C replaced by T.
Protein change: p.Arg274Cys; replaces arginine 274 with cysteine.
Molecular consequence: missense variant. On other transcripts: 3 prime UTR variant (1).
Genome position (GRCh38, 1-based): chr17:44,075,822, C>T. VCF-style: chr17-44075822-C-T. GRCh37 (hg19) VCF-style: chr17-42153190-C-T.
Other names: c.*113C>T (NM_001319945.2); c.475C>T, p.Arg159Cys (NM_001384165.1, NM_001384166.1, NM_001384167.1 and 1 more transcripts); short protein forms R159C, R274C.
Identifiers: ClinVar variation 2188000 (VCV002188000.4), dbSNP rs145779116, ClinGen allele CA8596155.